The following is an entry in ClinVar:

NM_005751.5(AKAP9):c.2694A>C (p.Glu898Asp)

Gene: AKAP9 (A-kinase anchoring protein 9; plus strand). Cytogenetic location: 7q21.2.
Variant type: single nucleotide variant.
Coding change: c.2694A>C on transcript NM_005751.5 (MANE Select); coding-DNA position 2694, A replaced by C.
Protein change: p.Glu898Asp; replaces glutamic acid 898 with aspartic acid.
Molecular consequence: missense variant.
Genome position (GRCh38, 1-based): chr7:92,002,611, A>C. VCF-style: chr7-92002611-A-C. GRCh37 (hg19) VCF-style: chr7-91631925-A-C.
Other names: c.2694A>C, p.Glu898Asp (NM_147185.3); short protein forms E898D.
Identifiers: ClinVar variation 2125522 (VCV002125522.5), dbSNP rs755978798, ClinGen allele CA4336179.

ClinVar aggregate classification (germline): Conflicting classifications of pathogenicity. Review status: criteria provided, conflicting classifications (1 of 4 stars). 2 submissions from 2 submitters: Uncertain significance (1); Likely benign (1). Last evaluated 2026-02-23.

Conditions:
Long QT syndrome (LQTS). Identifiers: MedGen C0023976, MeSH D008133, MONDO:0002442. Disease mechanism: loss of function. Inheritance: Various modes of inheritance.
Cardiovascular phenotype. Identifiers: MedGen CN230736.

Allele frequency attached by ClinVar (database versions not stated): TOPMed below 0.00001; ExAC 0.00001; gnomAD 0.00001.
gnomAD v4.1: 1 of 1,611,834 alleles (0.000062%); highest among the groups gnomAD compares: African/African-American, 0.0013%; no homozygotes.

Submissions (2):

Ambry Genetics
Classification: Likely benign for Cardiovascular phenotype. Last evaluated: 2026-02-23. Review status: criteria provided, single submitter. Criteria: Ambry Variant Classification Scheme 2023. Collection method: clinical testing. Allele origin: germline.

Labcorp Genetics (formerly Invitae), Labcorp
Classification: Uncertain significance for Long QT syndrome. Last evaluated: 2022-04-12. Review status: criteria provided, single submitter. Criteria: Invitae Variant Classification Sherloc (09022015). Collection method: clinical testing. Allele origin: germline.
Comment: In summary, the available evidence is currently insufficient to determine the role of this variant in disease. Therefore, it has been classified as a Variant of Uncertain Significance. Algorithms developed to predict the effect of missense changes on protein structure and function output the following: SIFT: "Tolerated"; PolyPhen-2: "Benign"; Align-GVGD: "Class C0". The aspartic acid amino acid residue is found in multiple mammalian species, which suggests that this missense change does not adversely affect protein function. This variant has not been reported in the literature in individuals affected with AKAP9-related conditions. This variant is present in population databases (rs755978798, gnomAD 0.007%). This sequence change replaces glutamic acid, which is acidic and polar, with aspartic acid, which is acidic and polar, at codon 898 of the AKAP9 protein (p.Glu898Asp).